The following is an entry in ClinVar:

NC_000001.10:g.(?_237586372)_(237732639_?)del

Gene: RYR2 (ryanodine receptor 2; plus strand). Cytogenetic location: 1q43.
Variant type: Deletion.
Identifiers: ClinVar variation 3247726 (VCV003247726.1).

ClinVar aggregate classification (germline): Uncertain significance (1 of 4 stars; one submission).

Conditions:
Catecholaminergic polymorphic ventricular tachycardia 1. Also called: RYR2-Related Catecholaminergic Polymorphic Ventricular Tachycardia; VENTRICULAR TACHYCARDIA, CATECHOLAMINERGIC POLYMORPHIC, 1, WITH OR WITHOUT ATRIAL DYSFUNCTION AND/OR DILATED CARDIOMYOPATHY; VENTRICULAR TACHYCARDIA, STRESS-INDUCED POLYMORPHIC 1. Identifiers: Orphanet 3286, MedGen C1631597, MONDO:0011484, OMIM 604772.

Submission:

Labcorp Genetics (formerly Invitae), Labcorp
Classification: Uncertain significance for Catecholaminergic polymorphic ventricular tachycardia 1. Last evaluated: 2023-09-25. Review status: criteria provided, single submitter. Criteria: Invitae Variant Classification Sherloc (09022015). Collection method: clinical testing. Allele origin: unknown.
Comment: This variant is a gross deletion of the genomic region encompassing exon(s) 12-29 of the RYR2 gene. This deletion is out-of-frame, and is expected to create a premature translational stop signal and result in an absent or disrupted protein product. However, the current clinical and genetic evidence is not sufficient to establish whether loss-of-function variants in RYR2 cause disease. This variant has not been reported in the literature in individuals affected with RYR2-related conditions. In summary, the available evidence is currently insufficient to determine the role of this variant in disease. Therefore, it has been classified as a Variant of Uncertain Significance.